The following is an entry in ClinVar:

ClinVar aggregate classification (germline): Conflicting classifications of pathogenicity. Review status: criteria provided, conflicting classifications (1 of 4 stars). 2 submissions from 2 submitters: Uncertain significance (1); Likely benign (1). Last evaluated 2024-05-11.

Conditions:
Hereditary cancer-predisposing syndrome. Also called: Neoplastic Syndromes, Hereditary; Tumor predisposition; Hereditary neoplastic syndrome; Hereditary Cancer Syndrome. Identifiers: Orphanet 140162, MedGen C0027672, MeSH D009386, MONDO:0015356.
Gorlin syndrome. Also called: Basal cell nevus syndrome; Nevoid Basal Cell Carcinoma Syndrome. Identifiers: Orphanet 377, MedGen C0004779, MONDO:0007187.

Allele frequency attached by ClinVar (database versions not stated): gnomAD exomes below 0.00001; ExAC 0.00001.

Submissions (2):

Labcorp Genetics (formerly Invitae), Labcorp
Classification: Likely benign for Gorlin syndrome. Last evaluated: 2024-05-11. Review status: criteria provided, single submitter. Criteria: Invitae Variant Classification Sherloc (09022015). Collection method: clinical testing. Allele origin: germline.

Ambry Genetics
Classification: Uncertain significance for Hereditary cancer-predisposing syndrome. Last evaluated: 2021-08-13. Review status: criteria provided, single submitter. Criteria: Ambry Variant Classification Scheme 2023. Collection method: clinical testing. Allele origin: germline.
Comment: The p.N871D variant (also known as c.2611A>G), located in coding exon 16 of the PTCH1 gene, results from an A to G substitution at nucleotide position 2611. The asparagine at codon 871 is replaced by aspartic acid, an amino acid with highly similar properties. This amino acid position is well conserved in available vertebrate species. In addition, this alteration is predicted to be tolerated by in silico analysis. Since supporting evidence is limited at this time, the clinical significance of this alteration remains unclear.

NM_000264.5(PTCH1):c.2611A>G (p.Asn871Asp)

Gene: PTCH1 (patched 1; minus strand). Cytogenetic location: 9q22.32.
Variant type: single nucleotide variant.
Coding change: c.2611A>G on transcript NM_000264.5 (MANE Select); coding-DNA position 2611, A replaced by G.
Protein change: p.Asn871Asp; replaces asparagine 871 with aspartic acid.
Molecular consequence: missense variant. On other transcripts: non-coding transcript variant (1).
Genome position (GRCh38, 1-based): chr9:95,461,948, T>C on the plus strand (A>G on the coding strand, the complement: PTCH1 is on the minus strand). VCF-style: chr9-95461948-T-C. GRCh37 (hg19) VCF-style: chr9-98224230-T-C.
Other names: c.2413A>G, p.Asn805Asp (NM_001083602.3); c.2608A>G, p.Asn870Asp (NM_001083603.3); c.2158A>G, p.Asn720Asp (NM_001083604.3, NM_001083605.3, NM_001083606.3 and 1 more transcripts); c.2455A>G, p.Asn819Asp (NM_001354918.2); short protein forms N720D, N805D, N871D, N819D, N870D.
Identifiers: ClinVar variation 1793802 (VCV001793802.7), dbSNP rs777120634, ClinGen allele CA5138361.
Genomic context (GRCh38, chr9:95,461,948, plus strand): 5'-CGGTTTGCACCAGGAGTTTGTAGGCAAGGACTCCATCGTCTGATCCATTCTTGTAATTGT[T>C]TGGCATGATTTTCCCGGTTTCCCAGTCACTGTCAAATGCATCCTGAAGTCCTAGAAATGG-3'
Protein context (NP_000255.2, residues 861-881): SDWETGKIMP[Asn871Asp]NYKNGSDDGV